The following is an entry in ClinVar:

NM_001347721.2(DYRK1A):c.986_993del (p.Tyr329fs)

Gene: DYRK1A (dual specificity tyrosine phosphorylation regulated kinase 1A; plus strand). Cytogenetic location: 21q22.13.
Variant type: Deletion.
Coding change: c.986_993del on transcript NM_001347721.2 (MANE Select); coding-DNA positions 986 to 993, 8 bases deleted (ATGACCTT; older notation c.986_993delATGACCTT).
Protein change: p.Tyr329fs; shifts the reading frame from tyrosine 329.
Molecular consequence: frameshift variant.
Genome position (GRCh38, 1-based): chr21:37,493,078-37,493,085, ATGACCTT deleted; deleting any 8 consecutive bases within chr21:37,493,074-37,493,085 gives the same sequence; the c. name uses the placement nearest the transcript's 3' end. VCF-style (leftmost placement, unchanged base first): chr21-37493073-GCCTTATGA-G. GRCh37 (hg19) VCF-style: chr21-38865375-GCCTTATGA-G.
Other names: c.986_993del, p.Tyr329fs (NM_001347722.2, NM_130436.2); c.899_906del, p.Tyr300fs (NM_001347723.2); c.1013_1020del, p.Tyr338fs (NM_001396.5, NM_101395.2, NM_130438.2); short protein forms Y329fs, Y338fs, Y300fs.
Identifiers: ClinVar variation 280604 (VCV000280604.2), dbSNP rs886041778, ClinGen allele CA10603374.

ClinVar aggregate classification (germline): Pathogenic (1 of 4 stars; one submission).

Submission:

GeneDx
Classification: Pathogenic. Last evaluated: 2016-05-11. Review status: criteria provided, single submitter. Criteria: GeneDx Variant Classification (06012015). Collection method: clinical testing. Allele origin: germline. Affected: yes.
Comment: The c.1013_1020delATGACCTT pathogenic variant in the DYRK1A gene has not been reported previously as a pathogenic variant nor as a benign variant, to our knowledge. This variant causes a frameshift starting with codon Tyrosine 338, changes this amino acid to a Cysteine residue, and creates a premature Stop codon at position 3 of the new reading frame, denoted p.Tyr338CysfsX3. This variant is predicted to cause loss of normal protein function either through protein truncation or nonsense-mediated mRNA decay. The c.1013_1020delATGACCTT variant was not observed in approximately 6500 individuals of European and African American ancestry in the NHLBI Exome Sequencing Project, indicating it is not a common benign variant in these populations. We interpret c.1013_1020delATGACCTT as a pathogenic variant.